The following is an entry in ClinVar:

ClinVar aggregate classification (germline): Uncertain significance. Review status: criteria provided, multiple submitters, no conflicts (2 of 4 stars). 2 submissions from 2 submitters: Uncertain significance (2). Last evaluated 2026-08-01.

gnomAD v4.1: 1 of 1,531,322 alleles (0.000065%); highest among the groups gnomAD compares: East Asian, 0.0025%; no homozygotes.

Submissions (2):

CeGaT Center for Human Genetics Tuebingen
Classification: Uncertain significance. Last evaluated: 2026-08-01. Review status: criteria provided, single submitter. Criteria: CeGaT Center For Human Genetics Tuebingen Variant Classification Criteria Version 2. Collection method: clinical testing. Allele origin: germline. Affected: yes. Observed: 1 variant allele.
Comment: LOX: PM2

Labcorp Genetics (formerly Invitae), Labcorp
Classification: Uncertain significance. Last evaluated: 2025-02-06. Review status: criteria provided, single submitter. Criteria: Invitae Variant Classification Sherloc (09022015). Collection method: clinical testing. Allele origin: germline.
Comment: This sequence change replaces glutamic acid, which is acidic and polar, with lysine, which is basic and polar, at codon 34 of the LOX protein (p.Glu34Lys). This variant is present in population databases (rs777431502, gnomAD 0.01%). This variant has not been reported in the literature in individuals affected with LOX-related conditions. Invitae Evidence Modeling of protein sequence and biophysical properties (such as structural, functional, and spatial information, amino acid conservation, physicochemical variation, residue mobility, and thermodynamic stability) indicates that this missense variant is not expected to disrupt LOX protein function with a negative predictive value of 95%. In summary, the available evidence is currently insufficient to determine the role of this variant in disease. Therefore, it has been classified as a Variant of Uncertain Significance.

NM_002317.7(LOX):c.100G>A (p.Glu34Lys)

Genes: SRFBP1 (serum response factor binding protein 1; plus strand), LOX (lysyl oxidase; minus strand). Cytogenetic location: 5q23.1.
Variant type: single nucleotide variant.
Coding change: c.100G>A on transcript NM_002317.7 (MANE Select); coding-DNA position 100, G replaced by A.
Protein change: p.Glu34Lys; replaces glutamic acid 34 with lysine.
Molecular consequence: missense variant.
Genome position (GRCh38, 1-based): chr5:122,077,886, C>T on the plus strand (G>A on the coding strand, the complement: LOX is on the minus strand). VCF-style: chr5-122077886-C-T. GRCh37 (hg19) VCF-style: chr5-121413581-C-T.
Other names: short protein forms E34K.
Identifiers: ClinVar variation 4764933 (VCV004764933.2).
Genomic context (GRCh38, chr5:122,077,886, plus strand): 5'-CCTGCCCGTTGTTCTCCCATTGGATCTGCTGGCGCCAGGCGCCCGGAGCCGCCGGCGGCT[C>T]GCGCGGGGGCTGCTGTTGGCCGGCGGCGGGAGGGGCGCAGTGCACTAGCGCGCAGAGCTG-3'
Protein context (NP_002308.2, residues 24-44): PAAGQQQPPR[Glu34Lys]PPAAPGAWRQ